The following is an entry in ClinVar:

ClinVar aggregate classification (germline): Uncertain significance (1 of 4 stars; one submission).

Conditions:
Dyskeratosis congenita, autosomal recessive 5 (DKCB5). Identifiers: MedGen C3554656, MONDO:0014076, OMIM 615190.
Pulmonary fibrosis and/or bone marrow failure, Telomere-related, 3. Also called: PULMONARY FIBROSIS AND/OR BONE MARROW FAILURE SYNDROME, TELOMERE-RELATED, 3. Identifiers: Orphanet 2032, MedGen C4225346, MONDO:0014613, OMIM 616373.

Submission:

Labcorp Genetics (formerly Invitae), Labcorp
Classification: Uncertain significance for Dyskeratosis congenita, autosomal recessive 5; Pulmonary fibrosis and/or bone marrow failure, Telomere-related, 3. Last evaluated: 2025-10-08. Review status: criteria provided, single submitter. Criteria: Invitae Variant Classification Sherloc (09022015). Collection method: clinical testing. Allele origin: germline.
Comment: This sequence change replaces proline, which is neutral and non-polar, with leucine, which is neutral and non-polar, at codon 650 of the RTEL1 protein (p.Pro650Leu). This variant is present in population databases (no rsID available, gnomAD 0.0009%). This variant has not been reported in the literature in individuals affected with RTEL1-related conditions. An algorithm developed to predict the effect of missense changes on protein structure and function (PolyPhen-2) suggests that this variant is likely to be disruptive. In summary, the available evidence is currently insufficient to determine the role of this variant in disease. Therefore, it has been classified as a Variant of Uncertain Significance.

NM_001283009.2(RTEL1):c.1949C>T (p.Pro650Leu)

Genes: RTEL1 (regulator of telomere elongation helicase 1; plus strand), RTEL1-TNFRSF6B (RTEL1-TNFRSF6B readthrough (NMD candidate); plus strand). Cytogenetic location: 20q13.33.
Variant type: single nucleotide variant.
Coding change: c.1949C>T on transcript NM_001283009.2 (MANE Select); coding-DNA position 1949, C replaced by T.
Protein change: p.Pro650Leu; replaces proline 650 with leucine.
Molecular consequence: missense variant. On other transcripts: non-coding transcript variant (1).
Genome position (GRCh38, 1-based): chr20:63,689,572, C>T. VCF-style: chr20-63689572-C-T. GRCh37 (hg19) VCF-style: chr20-62320925-C-T.
Other names: c.1280C>T, p.Pro427Leu (NM_001283010.1); c.1949C>T, p.Pro650Leu (NM_016434.4); c.2021C>T, p.Pro674Leu (NM_032957.5); short protein forms P427L, P674L, P650L.
Identifiers: ClinVar variation 4790227 (VCV004790227.1).
Genomic context (GRCh38, chr20:63,689,572, plus strand): 5'-GGCTGGACTTCTCAGACACGAATGGCCGTGGTGTGATTGTCACGGGCCTCCCGTACCCCC[C>T]ACGCATGGACCCCCGGGTTGTCCTCAAGATGCAGTTCCTGGATGAGATGAAGGGCCAGGG-3'
Protein context (NP_001269938.1, residues 640-660): GVIVTGLPYP[Pro650Leu]RMDPRVVLKM